The following is an entry in ClinVar:

NC_000019.9:g.(?_17951019)_(17955226_?)del

Gene: JAK3 (Janus kinase 3; minus strand). Cytogenetic location: 19p13.11.
Variant type: Deletion.
Identifiers: ClinVar variation 3248438 (VCV003248438.1).

ClinVar aggregate classification (germline): Pathogenic (1 of 4 stars; one submission).

Conditions:
T-B+ severe combined immunodeficiency due to JAK3 deficiency. Also called: SCID, T CELL-NEGATIVE, B CELL-POSITIVE, NK CELL-NEGATIVE; SCID, autosomal recessive, T-negative/B-positive type. Identifiers: Orphanet 35078, MedGen C1833275, MONDO:0010938, OMIM 600802.

Submission:

Labcorp Genetics (formerly Invitae), Labcorp
Classification: Pathogenic for T-B+ severe combined immunodeficiency due to JAK3 deficiency. Last evaluated: 2023-08-09. Review status: criteria provided, single submitter. Criteria: Invitae Variant Classification Sherloc (09022015). Collection method: clinical testing. Allele origin: unknown.
Comment: This variant is a gross deletion of the genomic region encompassing exon(s) 2-9 of the JAK3 gene, which includes the initiator codon. This deletion extends beyond the assayed region for this gene and therefore may encompass additional genes. It is expected to result in an absent or disrupted protein product. Loss-of-function variants in JAK3 are known to be pathogenic (PMID: 7481768, 11668621). This variant has not been reported in the literature in individuals affected with JAK3-related conditions. For these reasons, this variant has been classified as Pathogenic.

Literature cited by the submitters: PubMed 7481768; PubMed 11668621.